The following is an entry in ClinVar:

NM_012463.4(ATP6V0A2):c.472G>A (p.Asp158Asn)

Gene: ATP6V0A2 (ATPase H+ transporting V0 subunit a2; plus strand). Cytogenetic location: 12q24.31.
Variant type: single nucleotide variant.
Coding change: c.472G>A on transcript NM_012463.4 (MANE Select); coding-DNA position 472, G replaced by A.
Protein change: p.Asp158Asn; replaces aspartic acid 158 with asparagine.
Molecular consequence: missense variant.
Genome position (GRCh38, 1-based): chr12:123,726,236, G>A. VCF-style: chr12-123726236-G-A. GRCh37 (hg19) VCF-style: chr12-124210783-G-A.
Other names: short protein forms D158N.
Identifiers: ClinVar variation 2387784 (VCV002387784.3), dbSNP rs761563956, ClinGen allele CA6861629.

ClinVar aggregate classification (germline): Uncertain significance. Review status: criteria provided, multiple submitters, no conflicts (2 of 4 stars). 2 submissions from 2 submitters: Uncertain significance (2). Last evaluated 2023-10-20.

Conditions:
Inborn genetic diseases. Identifiers: MedGen C0950123, MeSH D030342.

Allele frequency attached by ClinVar (database versions not stated): ExAC 0.00003; gnomAD 0.00003.
gnomAD v4.1: 37 of 1,613,622 alleles (0.0023%); highest among the groups gnomAD compares: East Asian, 0.025%; no homozygotes.

Submissions (2):

GeneDx
Classification: Uncertain significance. Last evaluated: 2023-10-20. Review status: criteria provided, single submitter. Criteria: GeneDx Variant Classification Process June 2021. Collection method: clinical testing. Allele origin: germline. Affected: yes.
Comment: In silico analysis supports that this missense variant does not alter protein structure/function; In the absence of RNA/functional studies, the actual effect of this sequence change is unknown; In silico analysis is inconclusive as to whether the variant alters gene splicing. In the absence of RNA/functional studies, the actual effect of this sequence change is unknown.

Ambry Genetics
Classification: Uncertain significance for Inborn genetic diseases. Last evaluated: 2021-07-06. Review status: criteria provided, single submitter. Criteria: Ambry Variant Classification Scheme 2023. Collection method: clinical testing. Allele origin: germline.